The following is an entry in ClinVar:

ClinVar aggregate classification (germline): Conflicting classifications of pathogenicity. Review status: criteria provided, conflicting classifications (1 of 4 stars). 12 submissions from 12 submitters: Likely pathogenic (3); Uncertain significance (8). 1 of the submissions does not count toward it. Last evaluated 2025-10-21.

Conditions:
Cardiovascular phenotype. Identifiers: MedGen CN230736.
Cardiomyopathy (CMYO). Also called: Cardiomyopathies. Identifiers: Orphanet 167848, MedGen C0878544, MONDO:0004994, HP:0001638. Inheritance: Various modes of inheritance.
Hypertrophic cardiomyopathy 1 (CMH1). Also called: Familial hypertrophic cardiomyopathy 1; MYH7-Related Familial Hypertrophic Cardiomyopathy. Identifiers: MedGen C3495498, MONDO:0008647, OMIM 192600.
Primary familial hypertrophic cardiomyopathy (HCM). Identifiers: Orphanet 99739, MedGen C0949658, MeSH D024741, MONDO:0024573. Inheritance: Various modes of inheritance.
Hypertrophic cardiomyopathy. Also called: HYPERTROPHIC MYOCARDIOPATHY. Identifiers: Orphanet 217569, MedGen C0007194, MeSH D002312, MONDO:0005045, HP:0001639.

Allele frequency attached by ClinVar (database versions not stated): gnomAD 0.00002; gnomAD exomes 0.00002 and 0.00003; TOPMed 0.00002; ExAC 0.00003; ESP Exome Variant Server 0.00008.
gnomAD v4.1: 45 of 1,611,932 alleles (0.0028%); highest among the groups gnomAD compares: Non-Finnish European, 0.0034%; no homozygotes.

Submissions (12):

GeneDx
Classification: Uncertain significance. Last evaluated: 2025-10-21. Review status: criteria provided, single submitter. Criteria: GeneDx Variant Classification Process June 2021. Collection method: clinical testing. Allele origin: germline. Affected: yes.
Comment: In silico analysis suggests that this missense variant does not alter protein structure/function; This variant is associated with the following publications: (PMID: 25637381, 34542152, 23299917, 27532257, 15358028, 25086479, 23283745, 31737537, 31638223, 34675999, 36973604, 34912951, 31110529, 22267749, 37121957, 33495597, 37461109, 38757491, 37652022)

Labcorp Genetics (formerly Invitae), Labcorp
Classification: Likely pathogenic for Hypertrophic cardiomyopathy. Last evaluated: 2025-09-30. Review status: criteria provided, single submitter. Criteria: Invitae Variant Classification Sherloc (09022015). Collection method: clinical testing. Allele origin: germline.
Comment: This sequence change replaces threonine, which is neutral and polar, with methionine, which is neutral and non-polar, at codon 1854 of the MYH7 protein (p.Thr1854Met). This variant is present in population databases (rs372381770, gnomAD 0.006%). This missense change has been observed in individuals with autosomal dominant hypertrophic cardiomyopathy (PMID: 15358028, 23283745, 25086479, 27532257; internal data). ClinVar contains an entry for this variant (Variation ID: 161320). An algorithm developed to predict the effect of missense changes on protein structure and function (PolyPhen-2) suggests that this variant is likely to be disruptive. In summary, the currently available evidence indicates that the variant is pathogenic, but additional data are needed to prove that conclusively. Therefore, this variant has been classified as Likely Pathogenic.

3billion
Classification: Uncertain significance for Hypertrophic cardiomyopathy 1. Last evaluated: 2025-07-29. Review status: criteria provided, single submitter. Criteria: ACMG Guidelines, 2015. Collection method: clinical testing. Allele origin: germline. Affected: yes.
Comment: The variant is observed at an extremely low frequency in the gnomAD v4.1.0 dataset (total allele frequency: 0.003%). Predicted Consequence/Location: Missense variant In silico tool predictions suggest damaging effect of the variant on gene or gene product [REVEL: 0.81 (>=0.6, sensitivity 0.68 and specificity 0.92); 3Cnet: 0.98 (> 0.75, sensitivity 0.96 and precision 0.92)]. The same nucleotide change resulting in the same amino acid change has been previously reported to be associated with MYH7-related disorder (PMID: 15358028). However, the evidence of pathogenicity is insufficient at this time. Therefore, this variant is classified as VUS according to the recommendation of ACMG/AMP guideline.

Ambry Genetics
Classification: Uncertain significance for Cardiovascular phenotype. Last evaluated: 2025-04-16. Review status: criteria provided, single submitter. Criteria: Ambry Variant Classification Scheme 2023. Collection method: clinical testing. Allele origin: germline.
Comment: The p.T1854M variant (also known as c.5561C>T), located in coding exon 36 of the MYH7 gene, results from a C to T substitution at nucleotide position 5561. The threonine at codon 1854 is replaced by methionine, an amino acid with similar properties. This variant was reported in individual(s) with features consistent with hypertrophic cardiomyopathy (HCM) (Van Driest SL et al. J. Am. Coll. Cardiol., 2004 Aug;44:602-10 (reported as T1834M); Zou Y et al. Mol. Biol. Rep., 2013 Jun;40:3969-76; Chiou KR et al. J Cardiol, 2015 Mar;65:250-6; Walsh R et al. Genet. Med., 2017 02;19:192-203), and has been reported to co-occur with variants in other cardiomyopathy-related genes in individuals with HCM (Page SP et al. Circ Cardiovasc Genet, 2012 Apr;5:156-66; Bonaventura J et al. Arch Med Sci, 2019 May;15:641-649). This amino acid position is well conserved in available vertebrate species. In addition, this alteration is predicted to be deleterious by in silico analysis. Based on the available evidence, the clinical significance of this variant remains unclear.

Blueprint Genetics
Classification: Uncertain significance. Last evaluated: 2024-09-20. Review status: criteria provided, single submitter. Criteria: ACMG Guidelines, 2015. Collection method: clinical testing. Allele origin: germline.

Color Diagnostics, LLC DBA Color Health
Classification: Likely pathogenic for Cardiomyopathy. Last evaluated: 2024-08-05. Review status: criteria provided, single submitter. Criteria: ACMG Guidelines, 2015. Collection method: clinical testing. Allele origin: germline.
Comment: This missense variant replaces threonine with methionine at codon 1854 in the LMM domain of the MYH7 protein. Computational prediction tools indicate that this variant has a deleterious impact on protein structure and function. To our knowledge, functional studies have not been reported for this variant. This variant has been reported in over 10 individuals affected with hypertrophic cardiomyopathy (PMID: 15358028, 25086479, 27532257, 23283745, 31110529, 31638223, 33495597, 34912951, 37121957, 38757491; communication with an external laboratory; ClinVar SCV000546198.5). It has also been reported in an individual affected with dilated cardiomyopathy (PMID: 37461109) and in an individual affected with ischemic stroke (PMID: 36973604). This variant has been identified in 8/281196 chromosomes in the general population by the Genome Aggregation Database (gnomAD). Based on the available evidence, this variant is classified as Likely Pathogenic.

Molecular Diagnostic Laboratory for Inherited Cardiovascular Disease, Montreal Heart Institute
Classification: Likely pathogenic for Cardiovascular phenotype. Last evaluated: 2023-12-28. Review status: criteria provided, single submitter. Criteria: ACMG Guidelines, 2015. Collection method: clinical testing. Allele origin: germline. Affected: yes.
Comment: PS4, PM2, PP3

Victorian Clinical Genetics Services, Murdoch Childrens Research Institute
Classification: Uncertain significance for Hypertrophic cardiomyopathy 1. Last evaluated: 2023-07-16. Review status: criteria provided, single submitter. Criteria: ACMG Guidelines, 2015. Collection method: clinical testing. Allele origin: germline. Inheritance: Autosomal dominant inheritance. Affected: yes.
Comment: Based on the classification scheme VCGS_Germline_v1.3.4, this variant is classified as VUS-3A. Following criteria are met: 0105 - The mechanism of disease for this gene is not clearly established; however, missense variants have been proposed to act in a dominant negative manner (PMID: 24714796). (I) 0108 - This gene is associated with both recessive and dominant disease. Pathogenic variants in this gene are usually heterozygous; however, a recessive inheritance pattern has been observed in severe cases (OMIM). (I) 0112 - The condition associated with this gene has incomplete penetrance (PMID: 29300372). (I) 0200 - Variant is predicted to result in a missense amino acid change from threonine to methionine. (I) 0251 - This variant is heterozygous. (I) 0304 - Variant is present in gnomAD <0.01 (v2: 8 heterozygotes, 0 homozygotes). (SP) 0502 - Missense variant with conflicting in silico predictions and uninformative conservation. (I) 0600 - Variant is located in the annotated myosin tail 1 domain (DECIPHER). (I) 0710 - Another missense variant comparable to the one identified in this case has inconclusive previous evidence for pathogenicity. The p.(Thr1854Lys) variant has been classified once as a VUS (LOVD). (I) 0808 - Previous reports of pathogenicity for this variant are conflicting. This variant has been classified multiple times as a VUS by clinical diagnostic laboratories (ClinVar). However, this variant has also been identified in at least 15 unrelated individuals with hypertophic cardiomyopathy and/or septal hypertrophy (three individuals from Atlas of Cardiac Genetic Variation, at least nine individuals from Invitae (personal communication) and five individuals from the literature (PMIDs: 15358028, 23283745, 31638223)). (I) 0905 - No published segregation evidence has been identified for this variant. (I) 1007 - No published functional evidence has been identified for this variant. (I) 1208 - Inheritance information for this variant is not currently available in this individual. (I) Legend: (SP) - Supporting pathogenic, (I) - Information, (SB) - Supporting benign

Revvity Omics, Revvity
Classification: Uncertain significance. Last evaluated: 2023-06-12. Review status: criteria provided, single submitter. Criteria: ACMG Guidelines, 2015. Collection method: clinical testing. Allele origin: germline.

Laboratory for Molecular Medicine, Mass General Brigham Personalized Medicine
Classification: Uncertain significance for Hypertrophic cardiomyopathy. Last evaluated: 2023-03-29. Review status: criteria provided, single submitter. Criteria: ACMG Guidelines, 2015. Collection method: clinical testing. Allele origin: germline.
Comment: The p.Thr1854Met variant in MYH7 has been reported in >8 individuals with HCM and segregated with HCM in 1 affected relative (Van Dreist 2004 PMID: 15358028; reported incorrectly as p.Thr1834Met, Zou 2013 PMID: 23283745, Chiou 2015 PMID: 25086479, Walsh 2017 PMID: 27532257, Wang 2019 PMID: 31638223, Bonaventura 2019 PMID: 31110529, LMM data, Bristol genetics laboratory pers. comm.). This variant was also identified, along with a pathogenic variant in another HCM disease causing gene, in 1 individual and their affected realtive (Page 2012 PMID: 22267749). This variant was also reported by other clinical laboratories in ClinVar (Variation ID 161320) and has also been identified in 0.0065% (1/15286) Latino chromosomes by gnomAD (v.3.1.2). Computational prediction tools and conservation analyses suggest that this variant may impact the protein, though this information is not predictive enough to determine pathogenicity. In summary, the clinical significance of the p.Thr1854Met variant is uncertain. ACMG/AMP Criteria applied: PS4_Moderate, PM2_Supporting, PP3.

CHEO Genetics Diagnostic Laboratory, Children's Hospital of Eastern Ontario
Classification: Uncertain significance for Cardiomyopathy. Last evaluated: 2022-07-20. Review status: criteria provided, single submitter. Criteria: ACMG Guidelines, 2015. Collection method: clinical testing. Allele origin: germline.

CSER _CC_NCGL, University of Washington
Classification: Uncertain significance for Cardiomyopathy, hypertrophic. Last evaluated: 2014-06-01. Review status: no assertion criteria provided. Collection method: research. Allele origin: germline. Inheritance: Autosomal dominant inheritance. Study: ESP 6500 variant annotation. Not counted in ClinVar's aggregate classification.
Comment: Variants classified for the Actionable exomic incidental findings in 6503 participants: challenges of variant classification manuscript

Literature cited by the submitters: PubMed 15358028 (cited by 6 submitters); PubMed 23283745 (cited by 5 submitters); PubMed 25086479 (cited by 4 submitters); PubMed 27532257 (cited by 4 submitters); PubMed 22267749 (cited by Ambry Genetics and Laboratory for Molecular Medicine, Mass General Brigham Personalized Medicine); PubMed 23299917 (cited by Ambry Genetics); PubMed 25637381 (cited by Ambry Genetics); PubMed 31110529 (cited by Ambry Genetics and Color Diagnostics, LLC DBA Color Health); PubMed 31638223 (cited by 3 submitters); PubMed 33495597 (cited by Color Diagnostics, LLC DBA Color Health); PubMed 34912951 (cited by Color Diagnostics, LLC DBA Color Health); PubMed 36973604 (cited by Color Diagnostics, LLC DBA Color Health); PubMed 37121957 (cited by Color Diagnostics, LLC DBA Color Health); PubMed 37461109 (cited by Color Diagnostics, LLC DBA Color Health); PubMed 38757491 (cited by Color Diagnostics, LLC DBA Color Health); PubMed 24714796 (cited by Victorian Clinical Genetics Services, Murdoch Childrens Research Institute); PubMed 29300372 (cited by Victorian Clinical Genetics Services, Murdoch Childrens Research Institute).

NM_000257.4(MYH7):c.5561C>T (p.Thr1854Met)

Gene: MYH7 (myosin heavy chain 7; minus strand). Cytogenetic location: 14q11.2.
Variant type: single nucleotide variant.
Coding change: c.5561C>T on transcript NM_000257.4 (MANE Select); coding-DNA position 5561, C replaced by T.
Protein change: p.Thr1854Met; replaces threonine 1854 with methionine.
Molecular consequence: missense variant.
Genome position (GRCh38, 1-based): chr14:23,414,101, G>A on the plus strand (C>T on the coding strand, the complement: MYH7 is on the minus strand). VCF-style: chr14-23414101-G-A. GRCh37 (hg19) VCF-style: chr14-23883310-G-A.
Other names: p.T1854M:ACG>ATG; short protein forms T1854M.
Identifiers: ClinVar variation 161320 (VCV000161320.47), dbSNP rs372381770, ClinGen allele CA016271.